The following is an entry in ClinVar:

ClinVar aggregate classification (germline): Pathogenic/Likely pathogenic. Review status: criteria provided, multiple submitters, no conflicts (2 of 4 stars). 7 submissions from 7 submitters: Pathogenic (1); Likely pathogenic (5). 1 of the submissions does not count toward it. Last evaluated 2025-08-10.

Conditions:
Mitochondrial DNA depletion syndrome 13. Also called: FBXL4-Related Encephalomyopathic Mitochondrial DNA Depletion Syndrome; Mitochondrial DNA depletion syndrome 13 (encephalomyopathic type). Identifiers: Orphanet 369897, MedGen C3809592, MONDO:0014198, OMIM 615471.

Allele frequency attached by ClinVar (database versions not stated): gnomAD exomes 0.00001; gnomAD 0.00001.
gnomAD v4.1: 6 of 1,614,046 alleles (0.00037%); highest among the groups gnomAD compares: Admixed American, 0.0083%; no homozygotes.

Submissions (7):

Dasa
Classification: Likely pathogenic for Mitochondrial DNA depletion syndrome 13. Last evaluated: 2025-08-10. Review status: criteria provided, single submitter. Criteria: DASA Assertion Criteria. Collection method: clinical testing. Allele origin: germline.
Comment: NM_001278716.2(FBXL4):c.419T>C (p.Val140Ala) is a missense variant that results in the substitution of valine with alanine. This variant has been reported in individuals with FBXL4-related disorders (PMID: 28327206). Functional evidence supports an impact on the gene or gene product (PMID: 28940506). Also, this variant is rare in population databases. Based on the currently available evidence, this variant is classified as likely pathogenic.

Women's Health and Genetics/Laboratory Corporation of America, LabCorp
Classification: Likely pathogenic for Mitochondrial DNA depletion syndrome 13. Last evaluated: 2025-02-26. Review status: criteria provided, single submitter. Criteria: LabCorp Variant Classification Summary - May 2015. Collection method: clinical testing. Allele origin: germline.
Comment: Variant summary: FBXL4 c.419T>C (p.Val140Ala) results in a non-conservative amino acid change in the encoded protein sequence. Three of five in-silico tools predict a damaging effect of the variant on protein function. The variant allele was found at a frequency of 1.2e-05 in 251416 control chromosomes. c.419T>C has been reported in the literature in individuals affected with FBXL4-related mtDNA maintenance defect (Eldomery_2017, El-Hattab_2017). These data indicate that the variant is likely to be associated with disease. To our knowledge, no experimental evidence demonstrating an impact on protein function has been reported. The following publications have been ascertained in the context of this evaluation (PMID: 30804983, 36896912, 28940506, 28327206). ClinVar contains an entry for this variant (Variation ID: 375387). Based on the evidence outlined above, the variant was classified as likely pathogenic..

Labcorp Genetics (formerly Invitae), Labcorp
Classification: Likely pathogenic. Last evaluated: 2023-12-25. Review status: criteria provided, single submitter. Criteria: Invitae Variant Classification Sherloc (09022015). Collection method: clinical testing. Allele origin: germline.
Comment: This sequence change replaces valine, which is neutral and non-polar, with alanine, which is neutral and non-polar, at codon 140 of the FBXL4 protein (p.Val140Ala). This variant is present in population databases (no rsID available, gnomAD 0.009%). This missense change has been observed in individuals with clinical features of mitochondrial DNA depletion syndrome (PMID: 28327206, 28940506). ClinVar contains an entry for this variant (Variation ID: 375387). Advanced modeling of protein sequence and biophysical properties (such as structural, functional, and spatial information, amino acid conservation, physicochemical variation, residue mobility, and thermodynamic stability) performed at Invitae indicates that this missense variant is expected to disrupt FBXL4 protein function with a positive predictive value of 80%. In summary, the currently available evidence indicates that the variant is pathogenic, but additional data are needed to prove that conclusively. Therefore, this variant has been classified as Likely Pathogenic.

GeneDx
Classification: Pathogenic. Last evaluated: 2023-11-04. Review status: criteria provided, single submitter. Criteria: GeneDx Variant Classification Process June 2021. Collection method: clinical testing. Allele origin: germline. Affected: yes.
Comment: Observed in homozygous or apparent homozygous state in patients with features of FBXL4-related mitochondrial DNA depletion syndrome in published literature and not observed in homozygous state in controls (PMID: 28940506, 28327206); Published functional studies demonstrate a damaging effect, including impaired substrate ubiquitination via disrupting SCF-FBXL4 assembly (PMID: 36896912); Not observed at significant frequency in large population cohorts (gnomAD); In silico analysis supports that this missense variant has a deleterious effect on protein structure/function; This variant is associated with the following publications: (PMID: 30804983, 28327206, 28940506, 36896912)

Mendelics
Classification: Likely pathogenic for Mitochondrial DNA depletion syndrome 13. Last evaluated: 2019-05-28. Review status: criteria provided, single submitter. Criteria: Mendelics Assertion Criteria 2017. Collection method: clinical testing. Allele origin: unknown.

Wong Mito Lab, Molecular and Human Genetics, Baylor College of Medicine
Classification: Likely pathogenic for Mitochondrial DNA depletion syndrome 13. Last evaluated: 2017-08-10. Review status: criteria provided, single submitter. Criteria: ACMG Guidelines, 2015. Collection method: clinical testing. Allele origin: germline. Affected: yes.
Comment: The NM_012160.4:c.419T>C (NP_036292.2:p.Val140Ala) [GRCH38: NC_000006.12:g.98926570A>G] variant in FBXL4 gene is interpretated to be a Likely Pathogenic based on ACMG guidelines (PMID: 25741868). This variant meets one or more of the following evidence codes reported in the ACMG-guideline. PM2:This variant is absent in key population databases. PM3:Detected in trans with a pathogenic variant for Mitochondrial DNA depletion syndrome 13 which is a recessive disorder. PP2:This is a missense variant in FBXL4 with a low rate of benign and high rate of pathogenic missense variations. PP3:Computational evidence/predictors indicate the variant has deleterious effect on FBXL4 structure, function, or protein-protein interaction. PP4:Patientâ€™s phenotype or family history is highly specific for FBXL4. Based on this evidence code ClinGen Pathogenicity Calculator (PMID:28081714) suggested that the variant is Likely Pathogenic.

Lupski Lab, Baylor-Hopkins CMG, Baylor College of Medicine
Classification: Pathogenic for Mitochondrial DNA depletion syndrome 13. Review status: no assertion criteria provided. Collection method: research. Allele origin: germline. Inheritance: Autosomal recessive inheritance. Affected: yes. Not counted in ClinVar's aggregate classification.

Literature cited by the submitters: PubMed 28327206 (cited by 3 submitters); PubMed 28940506 (cited by 3 submitters); PubMed 30804983 (cited by Women's Health and Genetics/Laboratory Corporation of America, LabCorp); PubMed 36896912 (cited by Women's Health and Genetics/Laboratory Corporation of America, LabCorp).

NM_001278716.2(FBXL4):c.419T>C (p.Val140Ala)

Gene: FBXL4 (F-box and leucine rich repeat protein 4; minus strand). Cytogenetic location: 6q16.2.
Variant type: single nucleotide variant.
Coding change: c.419T>C on transcript NM_001278716.2 (MANE Select); coding-DNA position 419, T replaced by C.
Protein change: p.Val140Ala; replaces valine 140 with alanine.
Molecular consequence: missense variant. On other transcripts: non-coding transcript variant (2).
Genome position (GRCh38, 1-based): chr6:98,926,570, A>G on the plus strand (T>C on the coding strand, the complement: FBXL4 is on the minus strand). VCF-style: chr6-98926570-A-G. GRCh37 (hg19) VCF-style: chr6-99374446-A-G.
Other names: c.419T>C, p.Val140Ala (NM_012160.5); c.419T>C (NM_012160.3); short protein forms V140A.
Identifiers: ClinVar variation 375387 (VCV000375387.10), dbSNP rs1057519447, ClinGen allele CA16020684.